The following is an entry in ClinVar:

NM_000465.4(BARD1):c.593C>A (p.Ala198Asp)

Gene: BARD1 (BRCA1 associated RING domain 1; minus strand). Cytogenetic location: 2q35.
Variant type: single nucleotide variant.
Coding change: c.593C>A on transcript NM_000465.4 (MANE Select); coding-DNA position 593, C replaced by A.
Protein change: p.Ala198Asp; replaces alanine 198 with aspartic acid.
Molecular consequence: missense variant. On other transcripts: non-coding transcript variant (2), intron variant (3).
Genome position (GRCh38, 1-based): chr2:214,781,281, G>T on the plus strand (C>A on the coding strand, the complement: BARD1 is on the minus strand). VCF-style: chr2-214781281-G-T. GRCh37 (hg19) VCF-style: chr2-215646005-G-T.
Other names: c.536C>A, p.Ala179Asp (NM_001282543.2); c.158+28131C>A (NM_001282548.2); c.215+15780C>A (NM_001282545.2); c.364+11016C>A (NM_001282549.2); short protein forms A179D, A198D.
Identifiers: ClinVar variation 3231803 (VCV003231803.1), dbSNP rs751357679, ClinGen allele CA350456784.

ClinVar aggregate classification (germline): Uncertain significance (1 of 4 stars; one submission).

Conditions:
Hereditary cancer-predisposing syndrome. Also called: Neoplastic Syndromes, Hereditary; Tumor predisposition; Hereditary neoplastic syndrome; Hereditary Cancer Syndrome. Identifiers: Orphanet 140162, MedGen C0027672, MeSH D009386, MONDO:0015356.

Submission:

Ambry Genetics
Classification: Uncertain significance for Hereditary cancer-predisposing syndrome. Last evaluated: 2023-12-19. Review status: criteria provided, single submitter. Criteria: Ambry Variant Classification Scheme 2023. Collection method: clinical testing. Allele origin: germline.
Comment: The p.A198D variant (also known as c.593C>A), located in coding exon 4 of the BARD1 gene, results from a C to A substitution at nucleotide position 593. The alanine at codon 198 is replaced by aspartic acid, an amino acid with dissimilar properties. This amino acid position is conserved. In addition, this alteration is predicted to be tolerated by in silico analysis. Since supporting evidence is limited at this time, the clinical significance of this alteration remains unclear.